The following is an entry in ClinVar:

ClinVar aggregate classification (germline): Uncertain significance (1 of 4 stars; one submission).

gnomAD v4.1: 2 of 1,614,086 alleles (0.00012%); highest among the groups gnomAD compares: African/African-American, 0.0027%; no homozygotes.

Submission:

Women's Health and Genetics/Laboratory Corporation of America, LabCorp
Classification: Uncertain significance. Last evaluated: 2026-05-18. Review status: criteria provided, single submitter. Criteria: LabCorp Variant Classification Summary - May 2015. Collection method: clinical testing. Allele origin: germline.
Comment: Variant summary: COL12A1 c.1486A>G (p.Lys496Glu) results in a conservative amino acid change in the encoded protein sequence. Algorithms developed to predict the effect of missense changes on protein structure and function are either unavailable or do not agree on the potential impact of this missense change. The variant was absent in 249140 control chromosomes. The available data on variant occurrences in the general population are insufficient to allow any conclusion about variant significance. To our knowledge, no occurrence of c.1486A>G in individuals affected with COL12A1-related conditions and no experimental evidence demonstrating its impact on protein function have been reported. No submitters have cited clinical-significance assessments for this variant to ClinVar. Based on the evidence outlined above, the variant was classified as uncertain significance.

NM_004370.6(COL12A1):c.1486A>G (p.Lys496Glu)

Gene: COL12A1 (collagen type XII alpha 1 chain; minus strand). Cytogenetic location: 6q13.
Variant type: single nucleotide variant.
Coding change: c.1486A>G on transcript NM_004370.6 (MANE Select); coding-DNA position 1486, A replaced by G.
Protein change: p.Lys496Glu; replaces lysine 496 with glutamic acid.
Molecular consequence: missense variant. On other transcripts: intron variant (2).
Genome position (GRCh38, 1-based): chr6:75,183,455, T>C on the plus strand (A>G on the coding strand, the complement: COL12A1 is on the minus strand). VCF-style: chr6-75183455-T-C. GRCh37 (hg19) VCF-style: chr6-75893171-T-C.
Other names: c.1486A>G, p.Lys496Glu (NM_001424113.1, NM_001424114.1, NM_001424115.1); c.73+19265A>G (NM_001424116.1, NM_080645.3); short protein forms K496E.
Identifiers: ClinVar variation 4852991 (VCV004852991.1).
Genomic context (GRCh38, chr6:75,183,455, plus strand): 5'-ATCCTCCTCTGTAAGGGAAGGTGTTTATTGCTTCAATTATATCTTCAACTTTGGTGAATT[T>C]TTTCAAAGTGAACTCAGTATGAGGATCCCGGCTGTATTGCACAAGACTAATCTGGACCCT-3'
Protein context (NP_004361.3, residues 486-506): RDPHTEFTLK[Lys496Glu]FTKVEDIIEA